The following is an entry in ClinVar:

NM_000216.4(ANOS1):c.1428G>T (p.Glu476Asp)

Gene: ANOS1 (anosmin 1; minus strand). Cytogenetic location: Xp22.31.
Variant type: single nucleotide variant.
Coding change: c.1428G>T on transcript NM_000216.4 (MANE Select); coding-DNA position 1428, G replaced by T.
Protein change: p.Glu476Asp; replaces glutamic acid 476 with aspartic acid.
Molecular consequence: missense variant.
Genome position (GRCh38, 1-based): chrX:8,539,685, C>A on the plus strand (G>T on the coding strand, the complement: ANOS1 is on the minus strand). VCF-style: chrX-8539685-C-A. GRCh37 (hg19) VCF-style: chrX-8507726-C-A.
Other names: c.1428G>T (NM_000216.2); short protein forms E476D.
Identifiers: ClinVar variation 2581551 (VCV002581551.3), dbSNP rs766699880, ClinGen allele CA10343619.

ClinVar aggregate classification (germline): Conflicting classifications of pathogenicity. Review status: criteria provided, conflicting classifications (1 of 4 stars). 3 submissions from 3 submitters: Uncertain significance (2); Likely benign (1). Last evaluated 2024-12-11.

Conditions:
Inborn genetic diseases. Identifiers: MedGen C0950123, MeSH D030342.

Allele frequency attached by ClinVar (database versions not stated): ExAC 0.00002; gnomAD exomes 0.00002; gnomAD 0.00005; TOPMed 0.00005.
gnomAD v4.1: 17 of 1,209,571 alleles (0.0014%); highest among the groups gnomAD compares: Admixed American, 0.0088%; no homozygotes.

Submissions (3):

Ambry Genetics
Classification: Uncertain significance for Inborn genetic diseases. Last evaluated: 2024-12-11. Review status: criteria provided, single submitter. Criteria: Ambry Variant Classification Scheme 2023. Collection method: clinical testing. Allele origin: germline.

Blueprint Genetics
Classification: Likely benign. Last evaluated: 2023-12-01. Review status: criteria provided, single submitter. Criteria: ACMG Guidelines, 2015. Collection method: clinical testing. Allele origin: germline.

Women's Health and Genetics/Laboratory Corporation of America, LabCorp
Classification: Uncertain significance. Last evaluated: 2023-08-08. Review status: criteria provided, single submitter. Criteria: LabCorp Variant Classification Summary - May 2015. Collection method: clinical testing. Allele origin: germline.
Comment: Variant summary: KAL1 c.1428G>T (p.Glu476Asp) results in a conservative amino acid change located in the Fibronectin type III (IPR003961) of the encoded protein sequence. Five of five in-silico tools predict a benign effect of the variant on protein function. The variant allele was found at a frequency of 3.4e-05 in 205050 control chromosomes including 1 hemizygote. The available data on variant occurrences in the general population are insufficient to allow any conclusion about variant significance. The available data on variant occurrences in the general population are insufficient to allow any conclusion about variant significance. c.1428G>T has been reported in the literature in a patient with sporadic Infantile spasms (Michaud_2014). This report does not provide unequivocal conclusions about association of the variant with Hypogonadotropic Hypogonadism 1 With Or Without Anosmia. To our knowledge, no experimental evidence demonstrating an impact on protein function has been reported. The following publication have been ascertained in the context of this evaluation (PMID: 24781210). No submitters have cited clinical-significance assessments for this variant to ClinVar after 2014. Based on the evidence outlined above, the variant was classified as uncertain significance.

Literature cited by the submitters: PubMed 24781210 (cited by Women's Health and Genetics/Laboratory Corporation of America, LabCorp).